The following is an entry in ClinVar:

NM_015631.6(TCTN3):c.1469C>T (p.Ser490Phe)

Gene: TCTN3 (tectonic family member 3; minus strand). Cytogenetic location: 10q24.1.
Variant type: single nucleotide variant.
Coding change: c.1469C>T on transcript NM_015631.6 (MANE Select); coding-DNA position 1469, C replaced by T.
Protein change: p.Ser490Phe; replaces serine 490 with phenylalanine.
Molecular consequence: missense variant.
Genome position (GRCh38, 1-based): chr10:95,680,593, G>A on the plus strand (C>T on the coding strand, the complement: TCTN3 is on the minus strand). VCF-style: chr10-95680593-G-A. GRCh37 (hg19) VCF-style: chr10-97440350-G-A.
Other names: c.1523C>T, p.Ser508Phe (NM_001013840.1); c.1025C>T, p.Ser342Phe (NM_001143973.2); c.1373C>T, p.Ser458Phe (NM_001410982.1); short protein forms S490F, S342F, S508F, S458F.
Identifiers: ClinVar variation 2081871 (VCV002081871.4), dbSNP rs759717531, ClinGen allele CA211801521.

ClinVar aggregate classification (germline): Uncertain significance (1 of 4 stars; one submission).

Conditions:
Joubert syndrome 18 (JBTS18). Identifiers: Orphanet 2754, MedGen C3553758, MONDO:0013896, OMIM 614815.
Orofacial-digital syndrome IV (OFD4). Also called: BARAITSER-BURN SYNDROME; OFD SYNDROME WITH TIBIAL DEFECTS; OFD SYNDROME, BARAITSER-BURN TYPE; OFDS IV; ORAL-FACIAL-DIGITAL SYNDROME, TYPE IV; Orofaciodigital syndrome IV. Identifiers: Orphanet 2753, MedGen C0406727, MONDO:0009794, OMIM 258860.

Allele frequency attached by ClinVar (database versions not stated): gnomAD 0.00001.
gnomAD v4.1: 6 of 1,613,912 alleles (0.00037%); highest among the groups gnomAD compares: Non-Finnish European, 0.00025%; no homozygotes.

Submission:

Labcorp Genetics (formerly Invitae), Labcorp
Classification: Uncertain significance for Joubert syndrome 18; Orofacial-digital syndrome IV. Last evaluated: 2022-10-04. Review status: criteria provided, single submitter. Criteria: Invitae Variant Classification Sherloc (09022015). Collection method: clinical testing. Allele origin: germline.
Comment: This sequence change replaces serine, which is neutral and polar, with phenylalanine, which is neutral and non-polar, at codon 490 of the TCTN3 protein (p.Ser490Phe). The frequency data for this variant in the population databases is considered unreliable, as metrics indicate poor data quality at this position in the gnomAD database. This variant has not been reported in the literature in individuals affected with TCTN3-related conditions. Advanced modeling of protein sequence and biophysical properties (such as structural, functional, and spatial information, amino acid conservation, physicochemical variation, residue mobility, and thermodynamic stability) performed at Invitae indicates that this missense variant is not expected to disrupt TCTN3 protein function. Algorithms developed to predict the effect of sequence changes on RNA splicing suggest that this variant may disrupt the consensus splice site. In summary, the available evidence is currently insufficient to determine the role of this variant in disease. Therefore, it has been classified as a Variant of Uncertain Significance.